The following is an entry in ClinVar:

NM_014956.5(CEP164):c.1934+8C>T

Gene: CEP164 (centrosomal protein 164; plus strand). Cytogenetic location: 11q23.3.
Variant type: single nucleotide variant.
Coding change: c.1934+8C>T on transcript NM_014956.5 (MANE Select); 8 bases into the intron after coding-DNA position 1934, C replaced by T.
Molecular consequence: intron variant.
Genome position (GRCh38, 1-based): chr11:117,387,420, C>T. VCF-style: chr11-117387420-C-T. GRCh37 (hg19) VCF-style: chr11-117258136-C-T.
Other names: c.1943+8C>T (NM_001271933.2, NM_001440949.1); c.1775+8C>T (NM_001440972.1); c.1796+8C>T (NM_001440967.1, NM_001440961.1); c.1847+8C>T (NM_001440956.1, NM_001440957.1); c.1934+8C>T (NM_001440950.1, NM_001440953.1, NM_001440951.1); c.1787+8C>T (NM_001440962.1, NM_001440970.1, NM_001440964.1 and 4 more transcripts); c.1578-3357C>T (NM_001440990.1, NM_001440984.1); c.1769+8C>T (NM_001440952.1, NM_001440968.1, NM_001440969.1); and 7 more.
Identifiers: ClinVar variation 4986189 (VCV004986189.1).

ClinVar aggregate classification (germline): Likely benign (1 of 4 stars; one submission).

Conditions:
CEP164-related disorder. Also called: CEP164-related condition.

gnomAD v4.1: 2 of 1,613,586 alleles (0.00012%); highest among the groups gnomAD compares: Middle Eastern, 0.016%; no homozygotes.

Submission:

PreventionGenetics, part of Exact Sciences
Classification: Likely benign for CEP164-related condition. Last evaluated: 2025-05-08. Review status: criteria provided, single submitter. Criteria: ACMG Guidelines, 2015. Collection method: clinical testing. Allele origin: germline.
Comment: This variant is classified as likely benign based on ACMG/AMP sequence variant interpretation guidelines (Richards et al. 2015 PMID: 25741868, with internal and published modifications).